The following is an entry in ClinVar:

NM_004260.4(RECQL4):c.1615G>C (p.Asp539His)

Gene: RECQL4 (RecQ like helicase 4; minus strand). Cytogenetic location: 8q24.3.
Variant type: single nucleotide variant.
Coding change: c.1615G>C on transcript NM_004260.4 (MANE Select); coding-DNA position 1615, G replaced by C.
Protein change: p.Asp539His; replaces aspartic acid 539 with histidine.
Molecular consequence: missense variant.
Genome position (GRCh38, 1-based): chr8:144,514,941, C>G on the plus strand (G>C on the coding strand, the complement: RECQL4 is on the minus strand). VCF-style: chr8-144514941-C-G. GRCh37 (hg19) VCF-style: chr8-145740325-C-G.
Other names: c.1615G>C (NM_004260.3); short protein forms D539H.
Identifiers: ClinVar variation 1387447 (VCV001387447.7), dbSNP rs1219418730, ClinGen allele CA372683409.

ClinVar aggregate classification (germline): Uncertain significance. Review status: criteria provided, multiple submitters, no conflicts (2 of 4 stars). 2 submissions from 2 submitters: Uncertain significance (2). Last evaluated 2026-06-24.

Conditions:
Inborn genetic diseases. Identifiers: MedGen C0950123, MeSH D030342.
Baller-Gerold syndrome (BGS). Also called: CRANIOSYNOSTOSIS WITH RADIAL DEFECTS. Identifiers: Orphanet 1225, MedGen C0265308, MONDO:0009039, OMIM 218600.

Allele frequency attached by ClinVar (database versions not stated): TOPMed below 0.00001.

Submissions (2):

Ambry Genetics
Classification: Uncertain significance for Inborn genetic diseases. Last evaluated: 2026-06-24. Review status: criteria provided, single submitter. Criteria: Ambry Variant Classification Scheme 2023. Collection method: clinical testing. Allele origin: germline.
Comment: The p.D539H variant (also known as c.1615G>C), located in coding exon 9 of the RECQL4 gene, results from a G to C substitution at nucleotide position 1615. The aspartic acid at codon 539 is replaced by histidine, an amino acid with similar properties. This amino acid position is conserved. In addition, this alteration is predicted to be deleterious by in silico analysis. Based on the available evidence, the clinical significance of this variant remains unclear.

Labcorp Genetics (formerly Invitae), Labcorp
Classification: Uncertain significance for Baller-Gerold syndrome. Last evaluated: 2024-12-02. Review status: criteria provided, single submitter. Criteria: Invitae Variant Classification Sherloc (09022015). Collection method: clinical testing. Allele origin: germline.
Comment: This sequence change replaces aspartic acid, which is acidic and polar, with histidine, which is basic and polar, at codon 539 of the RECQL4 protein (p.Asp539His). This variant is not present in population databases (gnomAD no frequency). This variant has not been reported in the literature in individuals affected with RECQL4-related conditions. ClinVar contains an entry for this variant (Variation ID: 1387447). Invitae Evidence Modeling of protein sequence and biophysical properties (such as structural, functional, and spatial information, amino acid conservation, physicochemical variation, residue mobility, and thermodynamic stability) indicates that this missense variant is expected to disrupt RECQL4 protein function with a positive predictive value of 80%. In summary, the available evidence is currently insufficient to determine the role of this variant in disease. Therefore, it has been classified as a Variant of Uncertain Significance.